The following is an entry in ClinVar:

ClinVar aggregate classification (germline): Uncertain significance. Review status: criteria provided, multiple submitters, no conflicts (2 of 4 stars). 2 submissions from 2 submitters: Uncertain significance (2). Last evaluated 2024-10-25.

Conditions:
Hereditary cancer-predisposing syndrome. Also called: Tumor predisposition; Neoplastic Syndromes, Hereditary; Hereditary Cancer Syndrome; Hereditary neoplastic syndrome. Identifiers: Orphanet 140162, MedGen C0027672, MeSH D009386, MONDO:0015356.

Allele frequency attached by ClinVar (database versions not stated): gnomAD exomes below 0.00001.
gnomAD v4.1: 1 of 1,614,046 alleles (0.000062%); highest among the groups gnomAD compares: Non-Finnish European, 0.000085%; no homozygotes.

Submissions (2):

Ambry Genetics
Classification: Uncertain significance for Hereditary cancer-predisposing syndrome. Last evaluated: 2024-10-25. Review status: criteria provided, single submitter. Criteria: Ambry Variant Classification Scheme 2023. Collection method: clinical testing. Allele origin: germline.
Comment: The p.E1965K variant (also known as c.5893G>A), located in coding exon 43 of the POLE gene, results from a G to A substitution at nucleotide position 5893. The glutamic acid at codon 1965 is replaced by lysine, an amino acid with similar properties. This amino acid position is conserved. In addition, this alteration is predicted to be tolerated by in silico analysis. Based on the available evidence, the clinical significance of this variant remains unclear.

Labcorp Genetics (formerly Invitae), Labcorp
Classification: Uncertain significance. Last evaluated: 2024-08-30. Review status: criteria provided, single submitter. Criteria: Invitae Variant Classification Sherloc (09022015). Collection method: clinical testing. Allele origin: germline.
Comment: This sequence change replaces glutamic acid, which is acidic and polar, with lysine, which is basic and polar, at codon 1965 of the POLE protein (p.Glu1965Lys). This variant is not present in population databases (gnomAD no frequency). This variant has not been reported in the literature in individuals affected with POLE-related conditions. ClinVar contains an entry for this variant (Variation ID: 2081670). An algorithm developed to predict the effect of missense changes on protein structure and function (PolyPhen-2) suggests that this variant is likely to be tolerated. In summary, the available evidence is currently insufficient to determine the role of this variant in disease. Therefore, it has been classified as a Variant of Uncertain Significance.

NM_006231.4(POLE):c.5893G>A (p.Glu1965Lys)

Gene: POLE (DNA polymerase epsilon, catalytic subunit; minus strand). Cytogenetic location: 12q24.33.
Variant type: single nucleotide variant.
Coding change: c.5893G>A on transcript NM_006231.4 (MANE Select); coding-DNA position 5893, G replaced by A.
Protein change: p.Glu1965Lys; replaces glutamic acid 1965 with lysine.
Molecular consequence: missense variant.
Genome position (GRCh38, 1-based): chr12:132,634,297, C>T on the plus strand (G>A on the coding strand, the complement: POLE is on the minus strand). VCF-style: chr12-132634297-C-T. GRCh37 (hg19) VCF-style: chr12-133210883-C-T.
Other names: c.5893G>A (NM_006231.2); short protein forms E1965K.
Identifiers: ClinVar variation 2081670 (VCV002081670.5), dbSNP rs2138474665, ClinGen allele CA387371652.